The following is an entry in ClinVar:

NM_001354604.2(MITF):c.1352C>T (p.Thr451Met)

Gene: MITF (melanocyte inducing transcription factor; plus strand). Cytogenetic location: 3p13.
Variant type: single nucleotide variant.
Coding change: c.1352C>T on transcript NM_001354604.2 (MANE Select); coding-DNA position 1352, C replaced by T.
Protein change: p.Thr451Met; replaces threonine 451 with methionine.
Molecular consequence: missense variant.
Genome position (GRCh38, 1-based): chr3:69,965,019, C>T. VCF-style: chr3-69965019-C-T. GRCh37 (hg19) VCF-style: chr3-70014170-C-T.
Other names: c.1178C>T, p.Thr393Met (NM_001184967.2, NM_001354608.2); c.1349C>T, p.Thr450Met (NM_001354605.2); c.1331C>T, p.Thr444Met (NM_001354606.2, NM_006722.3); c.1283C>T, p.Thr428Met (NM_001354607.2); c.1013C>T, p.Thr338Met (NM_198158.3); c.1334C>T, p.Thr445Met (NM_198159.3); c.1286C>T, p.Thr429Met (NM_198177.3); c.845C>T, p.Thr282Met (NM_198178.3); and 1 more; short protein forms T282M, T338M, T344M, T393M, T428M, T429M, T444M, T445M.
Identifiers: ClinVar variation 1810121 (VCV001810121.10), dbSNP rs769488988, ClinGen allele CA2490646.

ClinVar aggregate classification (germline): Uncertain significance. Review status: criteria provided, multiple submitters, no conflicts (2 of 4 stars). 4 submissions from 4 submitters: Uncertain significance (3). 1 of the submissions does not count toward it. Last evaluated 2025-09-16.

Conditions:
Waardenburg syndrome type 2A (WS2A). Also called: WAARDENBURG SYNDROME WITHOUT DYSTOPIA CANTHORUM. Identifiers: Orphanet 3440, MedGen C1860339, MONDO:0008671, OMIM 193510.
Tietz syndrome (TADS). Also called: ALBINISM-DEAFNESS OF TIETZ; TIETZ ALBINISM-DEAFNESS SYNDROME; HYPOPIGMENTATION/DEAFNESS OF TIETZ. Identifiers: Orphanet 42665, MedGen C0391816, MONDO:0007077, OMIM 103500.
Melanoma, cutaneous malignant, susceptibility to, 8. Also called: MELANOMA AND RENAL CELL CARCINOMA, SUSCEPTIBILITY TO; Cutaneous malignant melanoma 8. Identifiers: Orphanet 293822, MedGen C3152204, MONDO:0013759, OMIM 614456.
MITF-related disorder. Also called: MITF-related condition.

Allele frequency attached by ClinVar (database versions not stated): gnomAD exomes 0.00001; ExAC 0.00002; gnomAD 0.00004; TOPMed 0.00008.
gnomAD v4.1: 19 of 1,614,016 alleles (0.0012%); highest among the groups gnomAD compares: African/African-American, 0.017%; no homozygotes.

Submissions (4):

Labcorp Genetics (formerly Invitae), Labcorp
Classification: Uncertain significance for Melanoma, cutaneous malignant, susceptibility to, 8; Waardenburg syndrome type 2A; Tietz syndrome. Last evaluated: 2025-09-16. Review status: criteria provided, single submitter. Criteria: Invitae Variant Classification Sherloc (09022015). Collection method: clinical testing. Allele origin: germline.
Comment: This sequence change replaces threonine, which is neutral and polar, with methionine, which is neutral and non-polar, at codon 344 of the MITF protein (p.Thr344Met). This variant is present in population databases (rs769488988, gnomAD 0.01%). This variant has not been reported in the literature in individuals affected with MITF-related conditions. ClinVar contains an entry for this variant (Variation ID: 1810121). Invitae Evidence Modeling of protein sequence and biophysical properties (such as structural, functional, and spatial information, amino acid conservation, physicochemical variation, residue mobility, and thermodynamic stability) indicates that this missense variant is not expected to disrupt MITF protein function with a negative predictive value of 80%. In summary, the available evidence is currently insufficient to determine the role of this variant in disease. Therefore, it has been classified as a Variant of Uncertain Significance.

Women's Health and Genetics/Laboratory Corporation of America, LabCorp
Classification: Uncertain significance. Last evaluated: 2025-08-27. Review status: criteria provided, single submitter. Criteria: LabCorp Variant Classification Summary - May 2015. Collection method: clinical testing. Allele origin: germline.
Comment: Variant summary: MITF c.1031C>T (p.Thr344Met) results in a non-conservative amino acid change located in the Myc-type, basic helix-loop-helix (bHLH) domain (IPR011598) of the encoded protein sequence. Algorithms developed to predict the effect of missense changes on protein structure and function are either unavailable or do not agree on the potential impact of this missense change. The variant allele was found at a frequency of 1.6e-05 in 251298 control chromosomes. The available data on variant occurrences in the general population are insufficient to allow any conclusion about variant significance. To our knowledge, no occurrence of c.1031C>T in individuals affected with MITF-related conditions and no experimental evidence demonstrating its impact on protein function have been reported. ClinVar contains an entry for this variant (Variation ID: 1810121). Based on the evidence outlined above, the variant was classified as uncertain significance.

GeneDx
Classification: Uncertain significance. Last evaluated: 2023-10-18. Review status: criteria provided, single submitter. Criteria: GeneDx Variant Classification Process June 2021. Collection method: clinical testing. Allele origin: germline. Affected: yes.
Comment: In silico analysis supports that this missense variant does not alter protein structure/function; Has not been previously published as pathogenic or benign to our knowledge

PreventionGenetics, part of Exact Sciences
Classification: Uncertain significance for MITF-related condition. Last evaluated: 2024-02-28. Review status: no assertion criteria provided. Collection method: clinical testing. Allele origin: germline. Not counted in ClinVar's aggregate classification.
Comment: The MITF c.1031C>T variant is predicted to result in the amino acid substitution p.Thr344Met. To our knowledge, this variant has not been reported in the literature. This variant is reported in 0.012% of alleles in individuals of African descent in gnomAD. This variant is not reported in ClinVar. At this time, the clinical significance of this variant is uncertain due to the absence of conclusive functional and genetic evidence.